The following is an entry in ClinVar:

NM_004629.2(FANCG):c.1576G>A (p.Ala526Thr)

Gene: FANCG (FA complementation group G; minus strand). Cytogenetic location: 9p13.3.
Variant type: single nucleotide variant.
Coding change: c.1576G>A on transcript NM_004629.2 (MANE Select); coding-DNA position 1576, G replaced by A.
Protein change: p.Ala526Thr; replaces alanine 526 with threonine.
Molecular consequence: missense variant.
Genome position (GRCh38, 1-based): chr9:35,074,987, C>T on the plus strand (G>A on the coding strand, the complement: FANCG is on the minus strand). VCF-style: chr9-35074987-C-T. GRCh37 (hg19) VCF-style: chr9-35074984-C-T.
Other names: short protein forms A526T.
Identifiers: ClinVar variation 4022521 (VCV004022521.1).

ClinVar aggregate classification (germline): Uncertain significance (1 of 4 stars; one submission).

Conditions:
Inborn genetic diseases. Identifiers: MedGen C0950123, MeSH D030342.

Submission:

Ambry Genetics
Classification: Uncertain significance for Inborn genetic diseases. Last evaluated: 2025-05-16. Review status: criteria provided, single submitter. Criteria: Ambry Variant Classification Scheme 2023. Collection method: clinical testing. Allele origin: germline.
Comment: The p.A526T variant (also known as c.1576G>A), located in coding exon 12 of the FANCG gene, results from a G to A substitution at nucleotide position 1576. The alanine at codon 526 is replaced by threonine, an amino acid with similar properties. This amino acid position is conserved. In addition, this alteration is predicted to be tolerated by in silico analysis. Based on the available evidence, the clinical significance of this variant remains unclear.